The following is an entry in ClinVar:

NM_005257.6(GATA6):c.1639A>T (p.Thr547Ser)

Gene: GATA6 (GATA binding protein 6; plus strand). Cytogenetic location: 18q11.2.
Variant type: single nucleotide variant.
Coding change: c.1639A>T on transcript NM_005257.6 (MANE Select); coding-DNA position 1639, A replaced by T.
Protein change: p.Thr547Ser; replaces threonine 547 with serine.
Molecular consequence: missense variant.
Genome position (GRCh38, 1-based): chr18:22,200,674, A>T. VCF-style: chr18-22200674-A-T. GRCh37 (hg19) VCF-style: chr18-19780637-A-T.
Other names: short protein forms T547S.
Identifiers: ClinVar variation 4739170 (VCV004739170.1).

ClinVar aggregate classification (germline): Uncertain significance (1 of 4 stars; one submission).

Conditions:
Atrioventricular septal defect 5 (AVSD5). Identifiers: MedGen C3280939, MONDO:0013769, OMIM 614474.

gnomAD v4.1: 1 of 1,614,178 alleles (0.000062%); highest among the groups gnomAD compares: Non-Finnish European, 0.000085%; no homozygotes.

Submission:

Labcorp Genetics (formerly Invitae), Labcorp
Classification: Uncertain significance for Atrioventricular septal defect 5. Last evaluated: 2025-04-17. Review status: criteria provided, single submitter. Criteria: Invitae Variant Classification Sherloc (09022015). Collection method: clinical testing. Allele origin: germline.
Comment: This sequence change replaces threonine, which is neutral and polar, with serine, which is neutral and polar, at codon 547 of the GATA6 protein (p.Thr547Ser). This variant is not present in population databases (gnomAD no frequency). This variant has not been reported in the literature in individuals affected with GATA6-related conditions. Invitae Evidence Modeling of protein sequence and biophysical properties (such as structural, functional, and spatial information, amino acid conservation, physicochemical variation, residue mobility, and thermodynamic stability) indicates that this missense variant is not expected to disrupt GATA6 protein function with a negative predictive value of 80%. In summary, the available evidence is currently insufficient to determine the role of this variant in disease. Therefore, it has been classified as a Variant of Uncertain Significance.